The following is an entry in ClinVar:

ClinVar aggregate classification (germline): Uncertain significance. Review status: criteria provided, single submitter (1 of 4 stars). 2 submissions from 2 submitters: Uncertain significance (1). 1 of the submissions does not count toward it. Last evaluated 2022-05-20.

Conditions:
Lysinuric protein intolerance (LPI). Identifiers: Orphanet 470, MedGen C0268647, MONDO:0009109, OMIM 222700.

Allele frequency attached by ClinVar (database versions not stated): gnomAD 0.00001; gnomAD exomes 0.00001 and 0.00002; ExAC 0.00002.

Submissions (2):

Labcorp Genetics (formerly Invitae), Labcorp
Classification: Uncertain significance for Lysinuric protein intolerance. Last evaluated: 2022-05-20. Review status: criteria provided, single submitter. Criteria: Invitae Variant Classification Sherloc (09022015). Collection method: clinical testing. Allele origin: germline.
Comment: This sequence change replaces glutamic acid, which is acidic and polar, with lysine, which is basic and polar, at codon 36 of the SLC7A7 protein (p.Glu36Lys). This variant is present in population databases (rs763832201, gnomAD 0.02%). This variant has not been reported in the literature in individuals affected with SLC7A7-related conditions. ClinVar contains an entry for this variant (Variation ID: 1063893). Algorithms developed to predict the effect of missense changes on protein structure and function (SIFT, PolyPhen-2, Align-GVGD) all suggest that this variant is likely to be tolerated. In summary, the available evidence is currently insufficient to determine the role of this variant in disease. Therefore, it has been classified as a Variant of Uncertain Significance.

Natera, Inc.
Classification: Uncertain significance for Lysinuric protein intolerance. Last evaluated: 2020-06-24. Review status: no assertion criteria provided. Collection method: clinical testing. Allele origin: germline. Not counted in ClinVar's aggregate classification.

NM_003982.4(SLC7A7):c.106G>A (p.Glu36Lys)

Genes: SLC7A7 (solute carrier family 7 member 7; minus strand), LOC130055323 (ATAC-STARR-seq lymphoblastoid silent region 5589; plus strand). Cytogenetic location: 14q11.2.
Variant type: single nucleotide variant.
Coding change: c.106G>A on transcript NM_003982.4 (MANE Select); coding-DNA position 106, G replaced by A.
Protein change: p.Glu36Lys; replaces glutamic acid 36 with lysine.
Molecular consequence: missense variant.
Genome position (GRCh38, 1-based): chr14:22,813,293, C>T on the plus strand (G>A on the coding strand, the complement: SLC7A7 is on the minus strand). VCF-style: chr14-22813293-C-T. GRCh37 (hg19) VCF-style: chr14-23282502-C-T.
Other names: c.106G>A, p.Glu36Lys (NM_001126105.3, NM_001126106.4); short protein forms E36K.
Identifiers: ClinVar variation 1063893 (VCV001063893.6), dbSNP rs763832201, ClinGen allele CA7104759.